The following is an entry in ClinVar:

ClinVar aggregate classification (germline): Benign/Likely benign. Review status: criteria provided, multiple submitters, no conflicts (2 of 4 stars). 3 submissions from 3 submitters: Benign (1); Likely benign (2). Last evaluated 2025-03-26.

Conditions:
Hereditary cancer-predisposing syndrome. Also called: Neoplastic Syndromes, Hereditary; Hereditary neoplastic syndrome; Hereditary Cancer Syndrome; Tumor predisposition. Identifiers: Orphanet 140162, MedGen C0027672, MeSH D009386, MONDO:0015356.
Peutz-Jeghers syndrome (PJS). Also called: Peutz-Jeghers polyposis; Periorificial lentiginosis syndrome; POLYPOSIS, HAMARTOMATOUS INTESTINAL; POLYPS-AND-SPOTS SYNDROME. Identifiers: Orphanet 2869, MedGen C0031269, MeSH D010580, MONDO:0008280, OMIM 175200.

Allele frequency attached by ClinVar (database versions not stated): gnomAD exomes below 0.00001.
gnomAD v4.1: 2 of 1,606,770 alleles (0.00012%); highest among the groups gnomAD compares: Non-Finnish European, 0.000085%; no homozygotes.

Submissions (3):

Myriad Genetics, Inc.
Classification: Benign for Peutz-Jeghers syndrome. Last evaluated: 2025-03-26. Review status: criteria provided, single submitter. Criteria: Myriad Autosomal Dominant, Autosomal Recessive and X-Linked Classification Criteria (2023). Collection method: clinical testing. Allele origin: unknown.
Comment: This variant is considered benign. This variant is a silent/synonymous amino acid change and it is not expected to impact splicing.

Labcorp Genetics (formerly Invitae), Labcorp
Classification: Likely benign for Peutz-Jeghers syndrome. Last evaluated: 2021-06-15. Review status: criteria provided, single submitter. Criteria: Invitae Variant Classification Sherloc (09022015). Collection method: clinical testing. Allele origin: germline.

Ambry Genetics
Classification: Likely benign for Hereditary cancer-predisposing syndrome. Last evaluated: 2020-06-30. Review status: criteria provided, single submitter. Criteria: Ambry Variant Classification Scheme 2023. Collection method: clinical testing. Allele origin: germline.

NM_000455.5(STK11):c.570C>T (p.Leu190=)

Gene: STK11 (serine/threonine kinase 11; plus strand). Cytogenetic location: 19p13.3.
Variant type: single nucleotide variant.
Coding change: c.570C>T on transcript NM_000455.5 (MANE Select); coding-DNA position 570, C replaced by T.
Protein change: p.Leu190=; no amino-acid change (leucine 190 retained).
Molecular consequence: synonymous variant.
Genome position (GRCh38, 1-based): chr19:1,220,478, C>T. VCF-style: chr19-1220478-C-T. GRCh37 (hg19) VCF-style: chr19-1220477-C-T.
Identifiers: ClinVar variation 1583251 (VCV001583251.11), dbSNP rs937650956, ClinGen allele CA304025918.
Genomic context (GRCh38, chr19:1,220,478, plus strand): 5'-GGGCATTGTGCACAAGGACATCAAGCCGGGGAACCTGCTGCTCACCACCGGTGGCACCCT[C>T]AAAATCTCCGACCTGGGCGTGGCCGAGGTAGGCACGTGCTAGGGGGGGCCCTGGGGCGCC-3'
Protein context (NP_000446.1, residues 180-200): GNLLLTTGGT[Leu190=]KISDLGVAEA